The following is an entry in ClinVar:

ClinVar aggregate classification (germline): Conflicting classifications of pathogenicity. Review status: criteria provided, conflicting classifications (1 of 4 stars). 4 submissions from 4 submitters: Uncertain significance (3); Likely benign (1). Last evaluated 2024-08-06.

Conditions:
Hereditary cancer-predisposing syndrome. Also called: Tumor predisposition; Neoplastic Syndromes, Hereditary; Hereditary Cancer Syndrome; Hereditary neoplastic syndrome. Identifiers: Orphanet 140162, MedGen C0027672, MeSH D009386, MONDO:0015356.
Breast-ovarian cancer, familial, susceptibility to, 2 (BROVCA2). Also called: BRCA2 Hereditary Breast and Ovarian Cancer. Identifiers: Orphanet 145, MedGen C2675520, MONDO:0012933, OMIM 612555. Disease mechanism: loss of function.

Allele frequency attached by ClinVar (database versions not stated): TOPMed below 0.00001; gnomAD 0.00001.
gnomAD v4.1: 1 of 1,613,284 alleles (0.000062%); highest among the groups gnomAD compares: Non-Finnish European, 0.000085%; no homozygotes.

Submissions (4):

Ambry Genetics
Classification: Uncertain significance for Hereditary cancer-predisposing syndrome. Last evaluated: 2024-08-06. Review status: criteria provided, single submitter. Criteria: Ambry Variant Classification Scheme 2023. Collection method: clinical testing. Allele origin: germline.
Comment: The p.P1613L variant (also known as c.4838C>T), located in coding exon 10 of the BRCA2 gene, results from a C to T substitution at nucleotide position 4838. The proline at codon 1613 is replaced by leucine, an amino acid with similar properties. This amino acid position is well conserved in available vertebrate species. In addition, this alteration is predicted to be tolerated by in silico analysis. Based on the available evidence, the clinical significance of this variant remains unclear.

All of Us Research Program, National Institutes of Health
Classification: Uncertain significance for Breast-ovarian cancer, familial, susceptibility to, 2. Last evaluated: 2024-01-11. Review status: criteria provided, single submitter. Criteria: ACMG Guidelines, 2015. Collection method: clinical testing. Allele origin: germline. Inheritance: Autosomal dominant inheritance. Observed: 1 variant allele, 1 heterozygote.
Comment: This study involves interpretation of variants in research participants for the purpose of population health screening. Participant phenotype was not available at the time of variant classification. Additional details can be found in publication PMID: 35346344, PMCID: PMC8962531

Color Diagnostics, LLC DBA Color Health
Classification: Uncertain significance for Hereditary cancer-predisposing syndrome. Last evaluated: 2023-12-05. Review status: criteria provided, single submitter. Criteria: ACMG Guidelines, 2015. Collection method: clinical testing. Allele origin: germline.
Comment: This missense variant replaces proline with leucine at codon 1613 of the BRCA2 protein. Computational prediction suggests that this variant may not impact protein structure and function (internally defined REVEL score threshold <= 0.5, PMID: 27666373). To our knowledge, functional studies have not been reported for this variant. This variant has not been reported in individuals affected with BRCA2-related disorders in the literature. This variant has not been identified in the general population by the Genome Aggregation Database (gnomAD). The available evidence is insufficient to determine the role of this variant in disease conclusively. Therefore, this variant is classified as a Variant of Uncertain Significance.

University of Washington Department of Laboratory Medicine, University of Washington
Classification: Likely benign for Hereditary cancer-predisposing syndrome. Last evaluated: 2023-03-23. Review status: criteria provided, single submitter. Criteria: Dines et al. (Genet Med. 2020). Collection method: curation. Allele origin: germline.
Comment: Missense variant in a coldspot region where missense variants are very unlikely to be pathogenic (PMID:31911673).

BRCA2 exon 11 coldspot. Reclassification based on statistical prior probability.

NM_000059.4(BRCA2):c.4838C>T (p.Pro1613Leu)

Gene: BRCA2 (BRCA2 DNA repair associated; plus strand). Cytogenetic location: 13q13.1.
Variant type: single nucleotide variant.
Coding change: c.4838C>T on transcript NM_000059.4 (MANE Select); coding-DNA position 4838, C replaced by T.
Protein change: p.Pro1613Leu; replaces proline 1613 with leucine.
Molecular consequence: missense variant.
Genome position (GRCh38, 1-based): chr13:32,339,193, C>T. VCF-style: chr13-32339193-C-T. GRCh37 (hg19) VCF-style: chr13-32913330-C-T.
Other names: short protein forms P1613L.
Identifiers: ClinVar variation 491285 (VCV000491285.10), dbSNP rs1360725610, ClinGen allele CA387783344.
Genomic context (GRCh38, chr13:32,339,193, plus strand): 5'-AAATGCAGAATTCTCTCAATAATGATAAAAACCTTGTTTCTATTGAGACTGTGGTGCCAC[C>T]TAAGCTCTTAAGTGATAATTTATGTAGACAAACTGAAAATCTCAAAACATCAAAAAGTAT-3'
Protein context (NP_000050.3, residues 1603-1623): NLVSIETVVP[Pro1613Leu]KLLSDNLCRQ